The following is an entry in ClinVar:

ClinVar aggregate classification (germline): Uncertain significance (1 of 4 stars; one submission).

Allele frequency attached by ClinVar (database versions not stated): gnomAD 0.00001; TOPMed 0.00001.
gnomAD v4.1: 2 of 1,614,082 alleles (0.00012%); highest among the groups gnomAD compares: African/African-American, 0.0027%; no homozygotes.

Submission:

Labcorp Genetics (formerly Invitae), Labcorp
Classification: Uncertain significance. Last evaluated: 2022-07-05. Review status: criteria provided, single submitter. Criteria: Invitae Variant Classification Sherloc (09022015). Collection method: clinical testing. Allele origin: germline.
Comment: In summary, the available evidence is currently insufficient to determine the role of this variant in disease. Therefore, it has been classified as a Variant of Uncertain Significance. Algorithms developed to predict the effect of missense changes on protein structure and function (SIFT, PolyPhen-2, Align-GVGD) all suggest that this variant is likely to be tolerated. This variant has not been reported in the literature in individuals affected with PNPT1-related conditions. This variant is present in population databases (rs774974954, gnomAD 0.007%). This sequence change replaces asparagine, which is neutral and polar, with lysine, which is basic and polar, at codon 53 of the PNPT1 protein (p.Asn53Lys).

NM_033109.5(PNPT1):c.159C>G (p.Asn53Lys)

Genes: PNPT1 (polyribonucleotide nucleotidyltransferase 1; minus strand), LOC129933770 (ATAC-STARR-seq lymphoblastoid active region 15785; plus strand). Cytogenetic location: 2p16.1.
Variant type: single nucleotide variant.
Coding change: c.159C>G on transcript NM_033109.5 (MANE Select); coding-DNA position 159, C replaced by G.
Protein change: p.Asn53Lys; replaces asparagine 53 with lysine.
Molecular consequence: missense variant.
Genome position (GRCh38, 1-based): chr2:55,693,665, G>C on the plus strand (C>G on the coding strand, the complement: PNPT1 is on the minus strand). VCF-style: chr2-55693665-G-C. GRCh37 (hg19) VCF-style: chr2-55920800-G-C.
Other names: short protein forms N53K.
Identifiers: ClinVar variation 2140138 (VCV002140138.4), dbSNP rs774974954, ClinGen allele CA1668622.